The following is an entry in ClinVar:

NM_000245.4(MET):c.19C>T (p.Leu7Phe)

Gene: MET (MET proto-oncogene, receptor tyrosine kinase; plus strand). Cytogenetic location: 7q31.2.
Variant type: single nucleotide variant.
Coding change: c.19C>T on transcript NM_000245.4 (MANE Select); coding-DNA position 19, C replaced by T.
Protein change: p.Leu7Phe; replaces leucine 7 with phenylalanine.
Molecular consequence: missense variant. On other transcripts: intron variant (1).
Genome position (GRCh38, 1-based): chr7:116,699,103, C>T. VCF-style: chr7-116699103-C-T. GRCh37 (hg19) VCF-style: chr7-116339157-C-T.
Other names: c.19C>T, p.Leu7Phe (NM_001127500.3, NM_001324401.3); c.-91+26526C>T (NM_001324402.2); short protein forms L7F.
Identifiers: ClinVar variation 4825347 (VCV004825347.1).
Genomic context (GRCh38, chr7:116,699,103, plus strand): 5'-TGCTCTCGCCTTGAACCTGTTTTGGCAGATAAACCTCTCATAATGAAGGCCCCCGCTGTG[C>T]TTGCACCTGGCATCCTCGTGCTCCTGTTTACCTTGGTGCAGAGGAGCAATGGGGAGTGTA-3'
Protein context (NP_000236.2, residues 1-17): MKAPAV[Leu7Phe]APGILVLLFT

ClinVar aggregate classification (germline): Uncertain significance (1 of 4 stars; one submission).

Conditions:
Hereditary cancer-predisposing syndrome. Also called: Neoplastic Syndromes, Hereditary; Tumor predisposition; Hereditary Cancer Syndrome; Hereditary neoplastic syndrome. Identifiers: Orphanet 140162, MedGen C0027672, MeSH D009386, MONDO:0015356.

Submission:

Ambry Genetics
Classification: Uncertain significance for Hereditary cancer-predisposing syndrome. Last evaluated: 2026-01-26. Review status: criteria provided, single submitter. Criteria: Ambry Variant Classification Scheme 2023. Collection method: clinical testing. Allele origin: germline.
Comment: The p.L7F variant (also known as c.19C>T), located in coding exon 1 of the MET gene, results from a C to T substitution at nucleotide position 19. The leucine at codon 7 is replaced by phenylalanine, an amino acid with highly similar properties. This amino acid position is well conserved in available vertebrate species. In addition, this alteration is predicted to be tolerated by in silico analysis. Based on the available evidence, the clinical significance of this variant remains unclear.